The following is an entry in ClinVar:

Conditions:
Breast-ovarian cancer, familial, susceptibility to, 1 (BROVCA1). Also called: BRCA1 Hereditary Breast and Ovarian Cancer; OVARIAN CANCER, SUSCEPTIBILITY TO. Identifiers: Orphanet 145, MedGen C2676676, MONDO:0011450, OMIM 604370. Disease mechanism: loss of function.

Submission:

Brotman Baty Institute, University of Washington
No classification provided (evidence only). Condition: Breast-ovarian cancer, familial 1. Review status: no classification provided. Collection method: in vitro. Allele origin: not applicable. Functional consequence: function_uncertain_variant.
ClinVar note: "not provided" was previously submitted as the classification for the variant. However, the classification appeared to be based only on an observation of functional data so it was converted to no classification on 2025-07-30.

NM_007294.4(BRCA1):c.213-4T>A

Gene: BRCA1 (BRCA1 DNA repair associated; minus strand). Cytogenetic location: 17q21.31.
Variant type: single nucleotide variant.
Coding change: c.213-4T>A on transcript NM_007294.4 (MANE Select); 4 bases into the intron before coding-DNA position 213, T replaced by A.
Molecular consequence: intron variant.
Genome position (GRCh38, 1-based): chr17:43,104,960, A>T on the plus strand (T>A on the coding strand, the complement: BRCA1 is on the minus strand). VCF-style: chr17-43104960-A-T. GRCh37 (hg19) VCF-style: chr17-41256977-A-T.
Other names: c.213-4T>A (NM_007300.4, NM_001407581.1, NM_001408422.1 and 167 more transcripts); c.-169-4T>A (NM_001407965.1, NM_001407959.1, NM_001407962.1 and 4 more transcripts); c.72-4T>A (NM_001407930.1, NM_001407843.1, NM_001408456.1 and 99 more transcripts); c.3-4T>A (NM_001408482.1, NM_001407954.1, NM_001407896.1 and 58 more transcripts); c.135-4T>A (NM_001407874.1, NM_001408416.1, NM_001408414.1 and 21 more transcripts); c.-218-10100T>A (NM_001407967.1, NM_001407966.1); c.81-4T>A (NM_001408451.1).
Identifiers: ClinVar variation 865561 (VCV000865561.3), dbSNP rs2054699770, ClinGen allele CA916080847.
Genomic context (GRCh38, chr17:43,104,960, plus strand): 5'-ATGATTTTCAATAGCTCTTCAACAAGTTGACTAAATCTCGTACTTTCTTGTAGGCTCCTG[A>T]AATTAAATTGTTTGAGAAACACACTCAGCAAGTGATTATCAACCTTTTAAGGACACTAAA-3'